The following is an entry in ClinVar:

NM_020708.5(SLC12A5):c.355C>T (p.Arg119Trp)

Gene: SLC12A5 (solute carrier family 12 member 5; plus strand). Cytogenetic location: 20q13.12.
Variant type: single nucleotide variant.
Coding change: c.355C>T on transcript NM_020708.5 (MANE Select); coding-DNA position 355, C replaced by T.
Protein change: p.Arg119Trp; replaces arginine 119 with tryptophan.
Molecular consequence: missense variant.
Genome position (GRCh38, 1-based): chr20:46,035,852, C>T. VCF-style: chr20-46035852-C-T. GRCh37 (hg19) VCF-style: chr20-44664491-C-T.
Other names: c.424C>T, p.Arg142Trp (NM_001134771.2); short protein forms R142W, R119W.
Identifiers: ClinVar variation 1467419 (VCV001467419.10), dbSNP rs3848724, ClinGen allele CA409187635.

ClinVar aggregate classification (germline): Uncertain significance. Review status: criteria provided, multiple submitters, no conflicts (2 of 4 stars). 2 submissions from 2 submitters: Uncertain significance (2). Last evaluated 2024-01-11.

Conditions:
Developmental and epileptic encephalopathy, 34 (DEE34). Also called: Early infantile epileptic encephalopathy 34; SLC12A5-Related Epilepsy of Infancy with Migrating Focal Seizures. Identifiers: Orphanet 293181, MedGen C4225257, MONDO:0014718, OMIM 616645.
Movement disorder. Also called: Abnormality of movement; Movement disorders. Identifiers: MedGen C0026650, MONDO:0005395, HP:0100022.

gnomAD v4.1: 1 of 1,614,136 alleles (0.000062%); highest among the groups gnomAD compares: Non-Finnish European, 0.000085%; no homozygotes.

Submissions (2):

Unidad de Genómica Garrahan, Hospital de Pediatría Garrahan
Classification: Uncertain significance for Movement disorder. Last evaluated: 2024-01-11. Review status: criteria provided, single submitter. Criteria: ACMG Guidelines, 2015. Collection method: clinical testing. Allele origin: germline. Affected: yes.

Labcorp Genetics (formerly Invitae), Labcorp
Classification: Uncertain significance for Developmental and epileptic encephalopathy, 34. Last evaluated: 2022-07-25. Review status: criteria provided, single submitter. Criteria: Invitae Variant Classification Sherloc (09022015). Collection method: clinical testing. Allele origin: germline.
Comment: In summary, the available evidence is currently insufficient to determine the role of this variant in disease. Therefore, it has been classified as a Variant of Uncertain Significance. Advanced modeling of protein sequence and biophysical properties (such as structural, functional, and spatial information, amino acid conservation, physicochemical variation, residue mobility, and thermodynamic stability) performed at Invitae indicates that this missense variant is expected to disrupt SLC12A5 protein function. ClinVar contains an entry for this variant (Variation ID: 1467419). This variant has not been reported in the literature in individuals affected with SLC12A5-related conditions. This variant is not present in population databases (gnomAD no frequency). This sequence change replaces arginine, which is basic and polar, with tryptophan, which is neutral and slightly polar, at codon 119 of the SLC12A5 protein (p.Arg119Trp).